The following is an entry in ClinVar:

ClinVar aggregate classification (germline): Benign. Review status: criteria provided, multiple submitters, no conflicts (2 of 4 stars). 6 submissions from 6 submitters: Benign (6). Last evaluated 2026-05-05.

Conditions:
Renal hypomagnesemia 6. Identifiers: Orphanet 34527, MedGen C3151295, MONDO:0013480, OMIM 613882.

Allele frequency attached by ClinVar (database versions not stated): 1000 Genomes Project 0.02776; 1000 Genomes Project 30x 0.02889; TOPMed 0.05267; gnomAD 0.05284 and 0.05419; ESP Exome Variant Server 0.05371; gnomAD exomes 0.05394; ExAC 0.05522.
gnomAD v4.1: 99,094 of 1,613,908 alleles (6.1%); highest among the groups gnomAD compares: Middle Eastern, 15%; 3,519 homozygotes.

Submissions (6):

Revvity Omics, Revvity
Classification: Benign. Last evaluated: 2026-05-05. Review status: criteria provided, single submitter. Criteria: ACMG Guidelines, 2015. Collection method: clinical testing. Allele origin: germline.

Labcorp Genetics (formerly Invitae), Labcorp
Classification: Benign. Last evaluated: 2026-02-04. Review status: criteria provided, single submitter. Criteria: Invitae Variant Classification Sherloc (09022015). Collection method: clinical testing. Allele origin: germline.

Mayo Clinic Laboratories, Mayo Clinic
Classification: Benign. Last evaluated: 2022-03-09. Review status: criteria provided, single submitter. Criteria: ACMG Guidelines, 2015. Collection method: clinical testing. Allele origin: germline. Observed: 14 variant alleles.

GeneDx
Classification: Benign. Last evaluated: 2019-11-26. Review status: criteria provided, single submitter. Criteria: GeneDx Variant Classification Process June 2021. Collection method: clinical testing. Allele origin: germline. Affected: yes.

Illumina Laboratory Services, Illumina
Classification: Benign for Renal hypomagnesemia 6. Last evaluated: 2018-01-12. Review status: criteria provided, single submitter. Criteria: ICSL Variant Classification Criteria 13 December 2019. Collection method: clinical testing. Allele origin: germline.
Comment: This variant was observed in the ICSL laboratory as part of a predisposition screen in an ostensibly healthy population. It had not been previously curated by ICSL or reported in the Human Gene Mutation Database (HGMD: prior to June 1st, 2018), and was therefore a candidate for classification through an automated scoring system. Utilizing variant allele frequency, disease prevalence and penetrance estimates, and inheritance mode, an automated score was calculated to assess if this variant is too frequent to cause the disease. Based on the score and internal cut-off values, a variant classified as benign is not then subjected to further curation. The score for this variant resulted in a classification of benign for this disease.

Breakthrough Genomics
Classification: Benign. Review status: criteria provided, single submitter. Criteria: ACMG Guidelines, 2015. Collection method: not provided. Allele origin: germline. Inheritance: Autosomal dominant inheritance. Affected: yes.

NM_017649.5(CNNM2):c.2544C>T (p.Asp848=)

Gene: CNNM2 (cyclin and CBS domain divalent metal cation transport mediator 2; plus strand). Cytogenetic location: 10q24.32.
Variant type: single nucleotide variant.
Coding change: c.2544C>T on transcript NM_017649.5 (MANE Select); coding-DNA position 2544, C replaced by T.
Protein change: p.Asp848=; no amino-acid change (aspartic acid 848 retained).
Molecular consequence: synonymous variant.
Genome position (GRCh38, 1-based): chr10:103,077,096, C>T. VCF-style: chr10-103077096-C-T. GRCh37 (hg19) VCF-style: chr10-104836853-C-T.
Other names: p.Asp848=; c.2478C>T, p.Asp826= (NM_199076.3).
Identifiers: ClinVar variation 298650 (VCV000298650.17), dbSNP rs35647154, ClinGen allele CA5670645.
Genomic context (GRCh38, chr10:103,077,096, plus strand): 5'-AGACAGTGAAAACACTAAAATCGAATTGACTCTTACGGAGCTGCATGACGGGTTGCCAGA[C>T]GAGACAGCCAACCTGCTCAACGAACAGAACTGTGTGACGCACAGTAAGGCCAACCACAGC-3'
Protein context (NP_060119.3, residues 838-858): TLTELHDGLP[Asp848=]ETANLLNEQN